The following is an entry in ClinVar:

ClinVar aggregate classification (germline): Uncertain significance (1 of 4 stars; one submission).

Conditions:
UGT1A1-related disorder. Also called: UGT1A1-related disorders; UGT1A1-related condition.

Submission:

PreventionGenetics, part of Exact Sciences
Classification: Uncertain significance for UGT1A1-related condition. Last evaluated: 2025-12-17. Review status: criteria provided, single submitter. Criteria: ACMG Guidelines, 2015. Collection method: clinical testing. Allele origin: germline.
Comment: The UGT1A1 c.337T>C variant is predicted to result in the amino acid substitution p.Tyr113His. To our knowledge, this variant has not been reported in the literature or in a large population database (gnomAD), indicating this variant is rare. At this time, the clinical significance of this variant is uncertain due to the absence of conclusive functional and genetic evidence.

NM_000463.3(UGT1A1):c.337T>C (p.Tyr113His)

Genes: UGT1A (UDP glucuronosyltransferase family 1 member A complex locus; plus strand), UGT1A1 (UDP glucuronosyltransferase family 1 member A1; plus strand), UGT1A10 (UDP glucuronosyltransferase family 1 member A10; plus strand), UGT1A3 (UDP glucuronosyltransferase family 1 member A3; plus strand), UGT1A4 (UDP glucuronosyltransferase family 1 member A4; plus strand) and 5 more. Cytogenetic location: 2q37.1.
Variant type: single nucleotide variant.
Coding change: c.337T>C on transcript NM_000463.3 (MANE Select); coding-DNA position 337, T replaced by C.
Protein change: p.Tyr113His; replaces tyrosine 113 with histidine.
Molecular consequence: missense variant. On other transcripts: intron variant (9).
Genome position (GRCh38, 1-based): chr2:233,760,624, T>C. VCF-style: chr2-233760624-T-C. GRCh37 (hg19) VCF-style: chr2-234669270-T-C.
Other names: c.856-6410T>C (NM_019076.5, NM_019075.4, NM_021027.3 and 1 more transcripts); c.61-6410T>C (NM_205862.3); c.862-6410T>C (NM_001072.4); c.868-6410T>C (NM_019078.2, NM_007120.3, NM_019093.4); short protein forms Y113H.
Identifiers: ClinVar variation 4993648 (VCV004993648.1).